The following is an entry in ClinVar:

ClinVar aggregate classification (germline): Likely benign (1 of 4 stars; one submission).

Allele frequency attached by ClinVar (database versions not stated): gnomAD exomes below 0.00001; TOPMed below 0.00001; gnomAD 0.00001.

Submission:

GeneDx
Classification: Likely benign. Last evaluated: 2016-03-11. Review status: criteria provided, single submitter. Criteria: GeneDx Variant Classification (06012015). Collection method: clinical testing. Allele origin: germline. Affected: yes.
Comment: This variant is considered likely benign or benign based on one or more of the following criteria: it is a conservative change, it occurs at a poorly conserved position in the protein, it is predicted to be benign by multiple in silico algorithms, and/or has population frequency not consistent with disease.

NM_025150.5(TARS2):c.933C>G (p.Leu311=)

Gene: TARS2 (threonyl-tRNA synthetase 2, mitochondrial; plus strand). Cytogenetic location: 1q21.2.
Variant type: single nucleotide variant.
Coding change: c.933C>G on transcript NM_025150.5 (MANE Select); coding-DNA position 933, C replaced by G.
Protein change: p.Leu311=; no amino-acid change (leucine 311 retained).
Molecular consequence: synonymous variant. On other transcripts: non-coding transcript variant (1), intron variant (2).
Genome position (GRCh38, 1-based): chr1:150,496,821, C>G. VCF-style: chr1-150496821-C-G. GRCh37 (hg19) VCF-style: chr1-150469297-C-G.
Other names: c.775-709C>G (NM_001271895.2); c.631-709C>G (NM_001271896.2).
Identifiers: ClinVar variation 383915 (VCV000383915.1), dbSNP rs866255004, ClinGen allele CA16603401.
Genomic context (GRCh38, chr1:150,496,821, plus strand): 5'-CCACCTCCTTGCCCTTGAGGTGACCCAATATTGCTATTCCTGACCCCAGGAACAGGAGCT[C>G]TTCTTCTTCCATGAACTGAGCCCTGGGAGCTGCTTCTTCCTGCCACGAGGGACAAGGGTG-3'
Protein context (NP_079426.2, residues 301-321): DHRRIGKEQE[Leu311=]FFFHELSPGS